The following is an entry in ClinVar:

NM_001103.4(ACTN2):c.1009G>A (p.Glu337Lys)

Gene: ACTN2 (actinin alpha 2; plus strand). Cytogenetic location: 1q43.
Variant type: single nucleotide variant.
Coding change: c.1009G>A on transcript NM_001103.4 (MANE Select); coding-DNA position 1009, G replaced by A.
Protein change: p.Glu337Lys; replaces glutamic acid 337 with lysine.
Molecular consequence: missense variant.
Genome position (GRCh38, 1-based): chr1:236,739,434, G>A. VCF-style: chr1-236739434-G-A. GRCh37 (hg19) VCF-style: chr1-236902734-G-A.
Other names: c.1009G>A, p.Glu337Lys (NM_001278343.2); c.385G>A, p.Glu129Lys (NM_001278344.2); short protein forms E129K, E337K.
Identifiers: ClinVar variation 1321105 (VCV001321105.7), dbSNP rs760884869, ClinGen allele CA345380559.
Genomic context (GRCh38, chr1:236,739,434, plus strand): 5'-CAGAAGAAGCTGGAGGACTTCCGGGATTACCGCCGGAAGCACAAGCCACCCAAGGTGCAG[G>A]AGAAATGCCAGCTGGAGATCAACTTCAACACGCTGCAGACCAAGCTGCGGATCAGCAACC-3'
Protein context (NP_001094.1, residues 327-347): RRKHKPPKVQ[Glu337Lys]KCQLEINFNT

ClinVar aggregate classification (germline): Uncertain significance. Review status: criteria provided, multiple submitters, no conflicts (2 of 4 stars). 2 submissions from 2 submitters: Uncertain significance (2). Last evaluated 2024-08-05.

Conditions:
Primary familial hypertrophic cardiomyopathy (HCM). Identifiers: Orphanet 99739, MedGen C0949658, MeSH D024741, MONDO:0024573. Inheritance: Various modes of inheritance.
Dilated cardiomyopathy 1AA (CMD1AA). Also called: CARDIOMYOPATHY, DILATED, 1AA, WITH OR WITHOUT LEFT VENTRICULAR NONCOMPACTION; CARDIOMYOPATHY, FAMILIAL HYPERTROPHIC, 23, WITH OR WITHOUT LEFT VENTRICULAR NONCOMPACTION; Cardiomyopathy, dilated, 1AA, with or without LVNC. Identifiers: Orphanet 154, MedGen C2677338, MONDO:0012808, OMIM 612158.

gnomAD v4.1: 1 of 1,614,102 alleles (0.000062%); highest among the groups gnomAD compares: Non-Finnish European, 0.000085%; no homozygotes.

Submissions (2):

Labcorp Genetics (formerly Invitae), Labcorp
Classification: Uncertain significance for Primary familial hypertrophic cardiomyopathy; Dilated cardiomyopathy 1AA. Last evaluated: 2024-08-05. Review status: criteria provided, single submitter. Criteria: Invitae Variant Classification Sherloc (09022015). Collection method: clinical testing. Allele origin: germline.
Comment: This sequence change replaces glutamic acid, which is acidic and polar, with lysine, which is basic and polar, at codon 337 of the ACTN2 protein (p.Glu337Lys). This variant is not present in population databases (gnomAD no frequency). This variant has not been reported in the literature in individuals affected with ACTN2-related conditions. ClinVar contains an entry for this variant (Variation ID: 1321105). Advanced modeling of protein sequence and biophysical properties (such as structural, functional, and spatial information, amino acid conservation, physicochemical variation, residue mobility, and thermodynamic stability) has been performed at Invitae for this missense variant, however the output from this modeling did not meet the statistical confidence thresholds required to predict the impact of this variant on ACTN2 protein function. In summary, the available evidence is currently insufficient to determine the role of this variant in disease. Therefore, it has been classified as a Variant of Uncertain Significance.

GeneDx
Classification: Uncertain significance. Last evaluated: 2020-07-17. Review status: criteria provided, single submitter. Criteria: GeneDx Variant Classification Process June 2021. Collection method: clinical testing. Allele origin: germline. Affected: yes.
Comment: Has not been previously published as pathogenic or benign to our knowledge; Not observed in large population cohorts (Lek et al., 2016); In silico analysis supports that this missense variant has a deleterious effect on protein structure/function